The following is an entry in ClinVar:

ClinVar aggregate classification (germline): Uncertain significance. Review status: criteria provided, multiple submitters, no conflicts (2 of 4 stars). 8 submissions from 6 submitters: Uncertain significance (8). Last evaluated 2025-09-05.

Conditions:
RYR1-related disorder. Also called: RYR1-related condition; RYR1-related disorders. Identifiers: MedGen CN239331.
Congenital multicore myopathy with external ophthalmoplegia (CMYO1B). Also called: Minicore myopathy with external ophthalmoplegia; MULTIMINICORE DISEASE WITH EXTERNAL OPHTHALMOPLEGIA; MULTICORE MYOPATHY; Congenital myopathy 1B, autosomal recessive; Minicore myopathy. Identifiers: Orphanet 598, Orphanet 98905, MedGen C1850674, MONDO:0009712, OMIM 255320, HP:0003789.
Malignant hyperthermia, susceptibility to, 1 (MHS1). Also called: Malignant hyperthermia suceptibility 1; Anesthesia related hyperthermia; Malignant hyperpyrexia; Fulminating hyperpyrexia; Pharmacogenic myopathy; RYR1-Related Malignant Hyperthermia Susceptibility. Identifiers: Orphanet 423, MedGen C2930980, MONDO:0007783, OMIM 145600.
Central core myopathy (CMYO1A). Also called: CONGENITAL MYOPATHY 1A, AUTOSOMAL DOMINANT, WITH SUSCEPTIBILITY TO MALIGNANT HYPERTHERMIA; Central core disease; Myopathy, central fibrillar. Identifiers: Orphanet 597, MedGen C5830701, MONDO:0007294, OMIM 117000.

Allele frequency attached by ClinVar (database versions not stated): TOPMed 0.00002.
gnomAD v4.1: 4 of 1,613,714 alleles (0.00025%); highest among the groups gnomAD compares: Non-Finnish European, 0.00034%; no homozygotes.

Submissions (8):

Color Diagnostics, LLC DBA Color Health
Classification: Uncertain significance for Malignant hyperthermia, susceptibility to, 1. Last evaluated: 2025-09-05. Review status: criteria provided, single submitter. Criteria: ACMG Guidelines, 2015. Collection method: clinical testing. Allele origin: germline.
Comment: This missense variant replaces glutamic acid with aspartic acid at codon 1869 of the RYR1 protein. Computational prediction suggests that this variant may not impact protein structure and function. To our knowledge, functional studies have not been reported for this variant. This variant has not been reported in individuals affected with RYR1-related disorders in the literature. This variant has not been identified in the general population by the Genome Aggregation Database (gnomAD). The available evidence is insufficient to determine the role of this variant in disease conclusively. Therefore, this variant is classified as a Variant of Uncertain Significance.

Labcorp Genetics (formerly Invitae), Labcorp
Classification: Uncertain significance for RYR1-related disorder. Last evaluated: 2024-09-06. Review status: criteria provided, single submitter. Criteria: Invitae Variant Classification Sherloc (09022015). Collection method: clinical testing. Allele origin: germline.
Comment: This sequence change replaces glutamic acid, which is acidic and polar, with aspartic acid, which is acidic and polar, at codon 1869 of the RYR1 protein (p.Glu1869Asp). This variant is not present in population databases (gnomAD no frequency). This variant has not been reported in the literature in individuals affected with RYR1-related conditions. ClinVar contains an entry for this variant (Variation ID: 889255). Invitae Evidence Modeling of protein sequence and biophysical properties (such as structural, functional, and spatial information, amino acid conservation, physicochemical variation, residue mobility, and thermodynamic stability) indicates that this missense variant is not expected to disrupt RYR1 protein function with a negative predictive value of 95%. In summary, the available evidence is currently insufficient to determine the role of this variant in disease. Therefore, it has been classified as a Variant of Uncertain Significance.

All of Us Research Program, National Institutes of Health
Classification: Uncertain significance for Malignant hyperthermia, susceptibility to, 1. Last evaluated: 2023-10-23. Review status: criteria provided, single submitter. Criteria: ACMG Guidelines, 2015. Collection method: clinical testing. Allele origin: germline. Inheritance: Autosomal dominant inheritance. Observed: 3 variant alleles, 3 heterozygotes.
Comment: This missense variant replaces glutamic acid with aspartic acid at codon 1869 of the RYR1 protein. Computational prediction suggests that this variant may not impact protein structure and function (internally defined REVEL score threshold <= 0.5, PMID: 27666373). To our knowledge, functional studies have not been reported for this variant. This variant has not been reported in individuals affected with RYR1-related disorders in the literature. This variant has not been identified in the general population by the Genome Aggregation Database (gnomAD). The available evidence is insufficient to determine the role of this variant in disease conclusively. Therefore, this variant is classified as a Variant of Uncertain Significance.

This study involves interpretation of variants in research participants for the purpose of population health screening. Participant phenotype was not available at the time of variant classification. Additional details can be found in publication PMID: 35346344, PMCID: PMC8962531

Blueprint Genetics
Classification: Uncertain significance. Last evaluated: 2021-03-02. Review status: criteria provided, single submitter. Criteria: ACMG Guidelines, 2015. Collection method: clinical testing. Allele origin: germline.

Revvity Omics, Revvity
Classification: Uncertain significance. Last evaluated: 2019-03-07. Review status: criteria provided, single submitter. Criteria: ACMG Guidelines, 2015. Collection method: clinical testing. Allele origin: germline.

Illumina Laboratory Services, Illumina
Classification: Uncertain significance for Central core myopathy. Last evaluated: 2017-04-27. Review status: criteria provided, single submitter. Criteria: ICSL Variant Classification Criteria 13 December 2019. Collection method: clinical testing. Allele origin: germline.

Illumina Laboratory Services, Illumina
Classification: Uncertain significance for Malignant hyperthermia, susceptibility to, 1. Last evaluated: 2017-04-27. Review status: criteria provided, single submitter. Criteria: ICSL Variant Classification Criteria 13 December 2019. Collection method: clinical testing. Allele origin: germline.

Illumina Laboratory Services, Illumina
Classification: Uncertain significance for Congenital multicore myopathy with external ophthalmoplegia. Last evaluated: 2017-04-27. Review status: criteria provided, single submitter. Criteria: ICSL Variant Classification Criteria 13 December 2019. Collection method: clinical testing. Allele origin: germline.

NM_000540.3(RYR1):c.5607G>T (p.Glu1869Asp)

Gene: RYR1 (ryanodine receptor 1; plus strand). Cytogenetic location: 19q13.2.
Variant type: single nucleotide variant.
Coding change: c.5607G>T on transcript NM_000540.3 (MANE Select); coding-DNA position 5607, G replaced by T.
Protein change: p.Glu1869Asp; replaces glutamic acid 1869 with aspartic acid.
Molecular consequence: missense variant.
Genome position (GRCh38, 1-based): chr19:38,489,236, G>T. VCF-style: chr19-38489236-G-T. GRCh37 (hg19) VCF-style: chr19-38979876-G-T.
Other names: c.5607G>T, p.Glu1869Asp (NM_001042723.2); short protein forms E1869D.
Identifiers: ClinVar variation 889255 (VCV000889255.11), dbSNP rs1043076830, ClinGen allele CA308096489.